The following is an entry in ClinVar:

NM_002439.5(MSH3):c.1300G>A (p.Glu434Lys)

Gene: MSH3 (mutS homolog 3; plus strand). Cytogenetic location: 5q14.1.
Variant type: single nucleotide variant.
Coding change: c.1300G>A on transcript NM_002439.5 (MANE Select); coding-DNA position 1300, G replaced by A.
Protein change: p.Glu434Lys; replaces glutamic acid 434 with lysine.
Molecular consequence: missense variant.
Genome position (GRCh38, 1-based): chr5:80,679,053, G>A. VCF-style: chr5-80679053-G-A. GRCh37 (hg19) VCF-style: chr5-79974872-G-A.
Other names: c.1300G>A (NM_002439.3); short protein forms E434K.
Identifiers: ClinVar variation 940414 (VCV000940414.12), dbSNP rs765012540, ClinGen allele CA3327854.

ClinVar aggregate classification (germline): Uncertain significance. Review status: criteria provided, multiple submitters, no conflicts (2 of 4 stars). 3 submissions from 3 submitters: Uncertain significance (3). Last evaluated 2025-10-18.

Conditions:
Hereditary cancer-predisposing syndrome. Also called: Hereditary neoplastic syndrome; Neoplastic Syndromes, Hereditary; Tumor predisposition; Hereditary Cancer Syndrome. Identifiers: Orphanet 140162, MedGen C0027672, MeSH D009386, MONDO:0015356.
Endometrial carcinoma. Also called: Endometrial carcinoma, somatic. Identifiers: MedGen C0476089, MONDO:0002447, OMIM 608089, HP:0012114.

Allele frequency attached by ClinVar (database versions not stated): ExAC 0.00002.
gnomAD v4.1: 5 of 1,614,066 alleles (0.00031%); highest among the groups gnomAD compares: South Asian, 0.0022%; no homozygotes.

Submissions (3):

Labcorp Genetics (formerly Invitae), Labcorp
Classification: Uncertain significance. Last evaluated: 2025-10-18. Review status: criteria provided, single submitter. Criteria: Invitae Variant Classification Sherloc (09022015). Collection method: clinical testing. Allele origin: germline.
Comment: This sequence change replaces glutamic acid, which is acidic and polar, with lysine, which is basic and polar, at codon 434 of the MSH3 protein (p.Glu434Lys). This variant is present in population databases (rs765012540, gnomAD 0.006%). This variant has not been reported in the literature in individuals affected with MSH3-related conditions. ClinVar contains an entry for this variant (Variation ID: 940414). An algorithm developed to predict the effect of missense changes on protein structure and function outputs the following: PolyPhen-2: "Benign". The lysine amino acid residue is found in multiple mammalian species, which suggests that this missense change does not adversely affect protein function. In summary, the available evidence is currently insufficient to determine the role of this variant in disease. Therefore, it has been classified as a Variant of Uncertain Significance.

Baylor Genetics
Classification: Uncertain significance for Endometrial carcinoma. Last evaluated: 2024-02-22. Review status: criteria provided, single submitter. Criteria: ACMG Guidelines, 2015. Collection method: clinical testing. Allele origin: unknown.

Ambry Genetics
Classification: Uncertain significance for Hereditary cancer-predisposing syndrome. Last evaluated: 2023-06-05. Review status: criteria provided, single submitter. Criteria: Ambry Variant Classification Scheme 2023. Collection method: clinical testing. Allele origin: germline.
Comment: The p.E434K variant (also known as c.1300G>A), located in coding exon 8 of the MSH3 gene, results from a G to A substitution at nucleotide position 1300. The glutamic acid at codon 434 is replaced by lysine, an amino acid with similar properties. This amino acid position is not well conserved in available vertebrate species. In addition, this alteration is predicted to be tolerated by in silico analysis. Since supporting evidence is limited at this time, the clinical significance of this alteration remains unclear.